The following is an entry in ClinVar:

NM_001369.3(DNAH5):c.9912G>A (p.Ser3304=)

Gene: DNAH5 (dynein axonemal heavy chain 5; minus strand). Cytogenetic location: 5p15.2.
Variant type: single nucleotide variant.
Coding change: c.9912G>A on transcript NM_001369.3 (MANE Select); coding-DNA position 9912, G replaced by A.
Protein change: p.Ser3304=; no amino-acid change (serine 3304 retained).
Molecular consequence: synonymous variant.
Genome position (GRCh38, 1-based): chr5:13,766,165, C>T on the plus strand (G>A on the coding strand, the complement: DNAH5 is on the minus strand). VCF-style: chr5-13766165-C-T. GRCh37 (hg19) VCF-style: chr5-13766274-C-T.
Identifiers: ClinVar variation 906486 (VCV000906486.15), dbSNP rs188218914, ClinGen allele CA3202380.
Genomic context (GRCh38, chr5:13,766,165, plus strand): 5'-ATCCATGATCCGCATGATGAGGTGAGGGGGGCGGCCCAACGTGCGAACAGTGGCGATGTC[C>T]GAAGGCCTGATGGTCTGGGGGATGAAAGGAACGATCACCCAACCACAGATAGGAAAGCAC-3'
Protein context (NP_001360.1, residues 3294-3314): AEAALQTIRP[Ser3304=]DIATVRTLGR

ClinVar aggregate classification (germline): Conflicting classifications of pathogenicity. Review status: criteria provided, conflicting classifications (1 of 4 stars). 3 submissions from 3 submitters: Uncertain significance (1); Likely benign (2). Last evaluated 2026-04-01.

Conditions:
Primary ciliary dyskinesia. Also called: Ciliary dyskinesia. Identifiers: Orphanet 244, MedGen C0008780, MONDO:0016575, HP:0012265.
Primary ciliary dyskinesia 3. Identifiers: Orphanet 244, MedGen C1837618, MONDO:0012085, OMIM 608644.

Allele frequency attached by ClinVar (database versions not stated): TOPMed 0.00005; ESP Exome Variant Server 0.00023.
gnomAD v4.1: 150 of 1,614,018 alleles (0.0093%); highest among the groups gnomAD compares: Non-Finnish European, 0.012%; no homozygotes.

Submissions (3):

CeGaT Center for Human Genetics Tuebingen
Classification: Likely benign. Last evaluated: 2026-04-01. Review status: criteria provided, single submitter. Criteria: CeGaT Center For Human Genetics Tuebingen Variant Classification Criteria Version 2. Collection method: clinical testing. Allele origin: germline. Affected: yes. Observed: 1 variant allele.
Comment: DNAH5: BP4, BP7

Labcorp Genetics (formerly Invitae), Labcorp
Classification: Likely benign for Primary ciliary dyskinesia. Last evaluated: 2025-12-17. Review status: criteria provided, single submitter. Criteria: Invitae Variant Classification Sherloc (09022015). Collection method: clinical testing. Allele origin: germline.

Illumina Laboratory Services, Illumina
Classification: Uncertain significance for Primary ciliary dyskinesia 3. Last evaluated: 2018-01-13. Review status: criteria provided, single submitter. Criteria: ICSL Variant Classification Criteria 13 December 2019. Collection method: clinical testing. Allele origin: germline.